The following is an entry in ClinVar:

ClinVar aggregate classification (germline): Uncertain significance (1 of 4 stars; one submission).

Conditions:
Primary ciliary dyskinesia. Also called: Ciliary dyskinesia. Identifiers: Orphanet 244, MedGen C0008780, MONDO:0016575, HP:0012265.

gnomAD v4.1: 18 of 1,602,804 alleles (0.0011%); highest among the groups gnomAD compares: Non-Finnish European, 0.0015%; no homozygotes.

Submission:

Labcorp Genetics (formerly Invitae), Labcorp
Classification: Uncertain significance for Primary ciliary dyskinesia. Last evaluated: 2024-06-20. Review status: criteria provided, single submitter. Criteria: Invitae Variant Classification Sherloc (09022015). Collection method: clinical testing. Allele origin: germline.
Comment: This sequence change falls in intron 8 of the DNAAF3 gene. It does not directly change the encoded amino acid sequence of the DNAAF3 protein. This variant is present in population databases (no rsID available, gnomAD 0.007%). This variant has not been reported in the literature in individuals affected with DNAAF3-related conditions. Algorithms developed to predict the effect of sequence changes on RNA splicing suggest that this variant may disrupt the consensus splice site. In summary, the available evidence is currently insufficient to determine the role of this variant in disease. Therefore, it has been classified as a Variant of Uncertain Significance.

NM_001256715.2(DNAAF3):c.913-18C>G

Genes: DNAAF3 (dynein axonemal assembly factor 3; minus strand), DNAAF3-AS1 (DNAAF3 antisense RNA 1; plus strand). Cytogenetic location: 19q13.42.
Variant type: single nucleotide variant.
Coding change: c.913-18C>G on transcript NM_001256715.2 (MANE Select); 18 bases into the intron before coding-DNA position 913, C replaced by G.
Molecular consequence: intron variant.
Genome position (GRCh38, 1-based): chr19:55,160,793, G>C on the plus strand (C>G on the coding strand, the complement: DNAAF3 is on the minus strand). VCF-style: chr19-55160793-G-C. GRCh37 (hg19) VCF-style: chr19-55672161-G-C.
Other names: c.1054-18C>G (NM_178837.4); c.1117-18C>G (NM_001256714.1); c.751-18C>G (NM_001256716.2).
Identifiers: ClinVar variation 3697864 (VCV003697864.2).